The following is an entry in ClinVar:

ClinVar aggregate classification (germline): Uncertain significance. Review status: criteria provided, multiple submitters, no conflicts (2 of 4 stars). 4 submissions from 4 submitters: Uncertain significance (4). Last evaluated 2026-09-01.

Conditions:
Intellectual developmental disorder with autism and macrocephaly. Also called: Autism, susceptibility to, 18; CHD8-Related Neurodevelopmental Disorder with Overgrowth. Identifiers: Orphanet 642675, MedGen C3554373, MONDO:0014017, OMIM 615032.
Inborn genetic diseases. Identifiers: MedGen C0950123, MeSH D030342.

Allele frequency attached by ClinVar (database versions not stated): TOPMed below 0.00001; gnomAD 0.00001; gnomAD exomes 0.00001.
gnomAD v4.1: 7 of 1,551,786 alleles (0.00045%); highest among the groups gnomAD compares: Middle Eastern, 0.034%; no homozygotes.

Submissions (4):

CeGaT Center for Human Genetics Tuebingen
Classification: Uncertain significance. Last evaluated: 2026-09-01. Review status: criteria provided, single submitter. Criteria: CeGaT Center For Human Genetics Tuebingen Variant Classification Criteria Version 2. Collection method: clinical testing. Allele origin: germline. Affected: yes. Observed: 1 variant allele.

GeneDx
Classification: Uncertain significance. Last evaluated: 2019-04-16. Review status: criteria provided, single submitter. Criteria: GeneDx Variant Classification Process June 2021. Collection method: clinical testing. Allele origin: germline. Affected: yes.
Comment: Not observed at a significant frequency in large population cohorts (Lek et al., 2016); In silico analysis, which includes protein predictors and evolutionary conservation, supports that this variant does not alter protein structure/function; Has not been previously published as pathogenic or benign to our knowledge

Baylor Genetics
Classification: Uncertain significance for Intellectual developmental disorder with autism and macrocephaly. Last evaluated: 2018-12-19. Review status: criteria provided, single submitter. Criteria: ACMG Guidelines, 2015. Collection method: clinical testing. Allele origin: maternal. Affected: yes.
Comment: This variant was determined to be of uncertain significance according to ACMG Guidelines, 2015 [PMID:25741868].

Ambry Genetics
Classification: Uncertain significance for Inborn genetic diseases. Last evaluated: 2016-06-28. Review status: criteria provided, single submitter. Criteria: Ambry Variant Classification Scheme 2023. Collection method: clinical testing. Allele origin: germline.
Comment: The p.D2487E variant (also known as c.7461C>G), located in coding exon 37 of the CHD8 gene, results from a C to G substitution at nucleotide position 7461. The aspartic acid at codon 2487 is replaced by glutamic acid, an amino acid with highly similar properties. This variant was not reported in population based cohorts in the following databases: Database of Single Nucleotide Polymorphisms (dbSNP), NHLBI Exome Sequencing Project (ESP), and 1000 Genomes Project. In the ESP, this variant was not observed in 6193 samples (12386 alleles) with coverage at this position. This amino acid position is highly conserved in available vertebrate species. In addition, the in silico prediction for this alteration is inconclusive. Since supporting evidence is limited at this time, the clinical significance of this variant remains unclear.

NM_001170629.2(CHD8):c.7461C>G (p.Asp2487Glu)

Gene: CHD8 (chromodomain helicase DNA binding protein 8; minus strand). Cytogenetic location: 14q11.2.
Variant type: single nucleotide variant.
Coding change: c.7461C>G on transcript NM_001170629.2 (MANE Select); coding-DNA position 7461, C replaced by G.
Protein change: p.Asp2487Glu; replaces aspartic acid 2487 with glutamic acid.
Molecular consequence: missense variant.
Genome position (GRCh38, 1-based): chr14:21,385,898, G>C on the plus strand (C>G on the coding strand, the complement: CHD8 is on the minus strand). VCF-style: chr14-21385898-G-C. GRCh37 (hg19) VCF-style: chr14-21854057-G-C.
Other names: c.6624C>G, p.Asp2208Glu (NM_020920.4); short protein forms D2208E, D2487E.
Identifiers: ClinVar variation 589310 (VCV000589310.9), dbSNP rs967570036, ClinGen allele CA257584649.